The following is an entry in ClinVar:

NM_014727.3(KMT2B):c.7052C>T (p.Pro2351Leu)

Gene: KMT2B (lysine methyltransferase 2B; plus strand). Cytogenetic location: 19q13.12.
Variant type: single nucleotide variant.
Coding change: c.7052C>T on transcript NM_014727.3 (MANE Select); coding-DNA position 7052, C replaced by T.
Protein change: p.Pro2351Leu; replaces proline 2351 with leucine.
Molecular consequence: missense variant.
Genome position (GRCh38, 1-based): chr19:35,733,765, C>T. VCF-style: chr19-35733765-C-T. GRCh37 (hg19) VCF-style: chr19-36224666-C-T.
Other names: c.7052C>T (NM_014727.1); short protein forms P2351L.
Identifiers: ClinVar variation 1941288 (VCV001941288.7), dbSNP rs751116452, ClinGen allele CA9385841.
Genomic context (GRCh38, chr19:35,733,765, plus strand): 5'-CTCCCTGGAGGGTCTGGGACCTCTGTCCTTCCCCTTCCTGACAGGTCTCTTCTCGCAGGC[C>T]CCTCCAGGAACGGTCCCCTTTGCTGCCACTTCCGGAAGATGGTCCTCCCCAGGTCCCCGA-3'
Protein context (NP_055542.1, residues 2341-2361): GEPAGEESPG[Pro2351Leu]LQERSPLLPL

ClinVar aggregate classification (germline): Conflicting classifications of pathogenicity. Review status: criteria provided, conflicting classifications (1 of 4 stars). 3 submissions from 3 submitters: Uncertain significance (1); Likely benign (2). Last evaluated 2026-09-01.

Conditions:
Inborn genetic diseases. Identifiers: MedGen C0950123, MeSH D030342.

Allele frequency attached by ClinVar (database versions not stated): ExAC 0.00002.
gnomAD v4.1: 21 of 1,613,096 alleles (0.0013%); highest among the groups gnomAD compares: South Asian, 0.0066%; no homozygotes.

Submissions (3):

CeGaT Center for Human Genetics Tuebingen
Classification: Likely benign. Last evaluated: 2026-09-01. Review status: criteria provided, single submitter. Criteria: CeGaT Center For Human Genetics Tuebingen Variant Classification Criteria Version 2. Collection method: clinical testing. Allele origin: germline. Affected: yes. Observed: 1 variant allele.
Comment: KMT2B: BP4

Ambry Genetics
Classification: Likely benign for Inborn genetic diseases. Last evaluated: 2024-06-17. Review status: criteria provided, single submitter. Criteria: Ambry Variant Classification Scheme 2023. Collection method: clinical testing. Allele origin: germline.

Labcorp Genetics (formerly Invitae), Labcorp
Classification: Uncertain significance. Last evaluated: 2023-01-25. Review status: criteria provided, single submitter. Criteria: Invitae Variant Classification Sherloc (09022015). Collection method: clinical testing. Allele origin: germline.
Comment: This sequence change replaces proline, which is neutral and non-polar, with leucine, which is neutral and non-polar, at codon 2351 of the KMT2B protein (p.Pro2351Leu). This variant is present in population databases (rs751116452, gnomAD 0.01%). This variant has not been reported in the literature in individuals affected with KMT2B-related conditions. Algorithms developed to predict the effect of missense changes on protein structure and function output the following: SIFT: "Tolerated"; PolyPhen-2: "Not Available"; Align-GVGD: "Class C0". The leucine amino acid residue is found in multiple mammalian species, which suggests that this missense change does not adversely affect protein function. In summary, the available evidence is currently insufficient to determine the role of this variant in disease. Therefore, it has been classified as a Variant of Uncertain Significance.